The following is an entry in ClinVar:

NM_000057.4(BLM):c.679G>A (p.Asp227Asn)

Gene: BLM (BLM RecQ like helicase; plus strand). Cytogenetic location: 15q26.1.
Variant type: single nucleotide variant.
Coding change: c.679G>A on transcript NM_000057.4 (MANE Select); coding-DNA position 679, G replaced by A.
Protein change: p.Asp227Asn; replaces aspartic acid 227 with asparagine.
Molecular consequence: missense variant. On other transcripts: 5 prime UTR variant (1).
Genome position (GRCh38, 1-based): chr15:90,749,947, G>A. VCF-style: chr15-90749947-G-A. GRCh37 (hg19) VCF-style: chr15-91293177-G-A.
Other names: c.679G>A, p.Asp227Asn (NM_001287246.2, NM_001287247.2); c.-613G>A (NM_001287248.2); short protein forms D227N.
Identifiers: ClinVar variation 454161 (VCV000454161.11), dbSNP rs1555418427, ClinGen allele CA393841319.
Genomic context (GRCh38, chr15:90,749,947, plus strand): 5'-GATTTGCCTCCACCCTCCTCTGAAAGCGAGCAAATAGATTTGACTGAGGAACAGAAGGAT[G>A]ACTCAGAATGGTTAAGCAGCGATGTGATTTGCATCGATGATGGCCCCATTGCTGAAGTGC-3'
Protein context (NP_000048.1, residues 217-237): QIDLTEEQKD[Asp227Asn]SEWLSSDVIC

ClinVar aggregate classification (germline): Uncertain significance (1 of 4 stars; one submission).

Conditions:
Bloom syndrome (BLM). Also called: Bloom-Torre-Machacek syndrome. Identifiers: Orphanet 125, MedGen C0005859, MONDO:0008876, OMIM 210900.

Submission:

Labcorp Genetics (formerly Invitae), Labcorp
Classification: Uncertain significance for Bloom syndrome. Last evaluated: 2020-07-29. Review status: criteria provided, single submitter. Criteria: Invitae Variant Classification Sherloc (09022015). Collection method: clinical testing. Allele origin: germline.
Comment: This variant is not present in population databases (ExAC no frequency). This sequence change replaces aspartic acid with asparagine at codon 227 of the BLM protein (p.Asp227Asn). The aspartic acid residue is weakly conserved and there is a small physicochemical difference between aspartic acid and asparagine. This variant has not been reported in the literature in individuals with BLM-related conditions. ClinVar contains an entry for this variant (Variation ID: 454161). Algorithms developed to predict the effect of missense changes on protein structure and function (SIFT, PolyPhen-2, Align-GVGD) all suggest that this variant is likely to be tolerated, but these predictions have not been confirmed by published functional studies and their clinical significance is uncertain. In summary, the available evidence is currently insufficient to determine the role of this variant in disease. Therefore, it has been classified as a Variant of Uncertain Significance.